The following is an entry in ClinVar:

NM_001365276.2(TNXB):c.618C>T (p.Pro206=)

Gene: TNXB (tenascin XB; minus strand). Cytogenetic location: 6p21.33.
Variant type: single nucleotide variant.
Coding change: c.618C>T on transcript NM_001365276.2 (MANE Select); coding-DNA position 618, C replaced by T.
Protein change: p.Pro206=; no amino-acid change (proline 206 retained).
Molecular consequence: synonymous variant.
Genome position (GRCh38, 1-based): chr6:32,097,235, G>A on the plus strand (C>T on the coding strand, the complement: TNXB is on the minus strand). VCF-style: chr6-32097235-G-A. GRCh37 (hg19) VCF-style: chr6-32065012-G-A.
Other names: c.618C>T, p.Pro206= (NM_019105.8).
Identifiers: ClinVar variation 2451187 (VCV002451187.9), dbSNP rs372353555, ClinGen allele CA3735819.

ClinVar aggregate classification (germline): Likely benign. Review status: criteria provided, multiple submitters, no conflicts (2 of 4 stars). 2 submissions from 2 submitters: Likely benign (2). Last evaluated 2025-04-01.

Conditions:
Cardiovascular phenotype. Identifiers: MedGen CN230736.

Allele frequency attached by ClinVar (database versions not stated): gnomAD exomes 0.00002; ExAC 0.00003; ESP Exome Variant Server 0.00008.
gnomAD v4.1: 22 of 1,605,592 alleles (0.0014%); highest among the groups gnomAD compares: East Asian, 0.0022%; no homozygotes.

Submissions (2):

CeGaT Center for Human Genetics Tuebingen
Classification: Likely benign. Last evaluated: 2025-04-01. Review status: criteria provided, single submitter. Criteria: CeGaT Center For Human Genetics Tuebingen Variant Classification Criteria Version 2. Collection method: clinical testing. Allele origin: germline. Affected: yes. Observed: 1 variant allele.
Comment: TNXB: BP4, BP7

Ambry Genetics
Classification: Likely benign for Cardiovascular phenotype. Last evaluated: 2023-02-20. Review status: criteria provided, single submitter. Criteria: Ambry Variant Classification Scheme 2023. Collection method: clinical testing. Allele origin: germline.